The following is an entry in ClinVar:

ClinVar aggregate classification (germline): Conflicting classifications of pathogenicity. Review status: criteria provided, conflicting classifications (1 of 4 stars). 19 submissions from 19 submitters: Uncertain significance (1); Benign (3); Likely benign (11). 4 of the submissions do not count toward it. Last evaluated 2026-01-31.

Conditions:
BRCA1-related disorder. Also called: BRCA1-related condition.
Hereditary cancer-predisposing syndrome. Also called: Hereditary Cancer Syndrome; Tumor predisposition; Neoplastic Syndromes, Hereditary; Hereditary neoplastic syndrome. Identifiers: Orphanet 140162, MedGen C0027672, MeSH D009386, MONDO:0015356.
Hereditary breast ovarian cancer syndrome. Also called: Breast and ovarian cancer; BRCA1- and BRCA2-Associated Hereditary Breast and Ovarian Cancer; Hereditary breast and ovarian cancer; Hereditary breast and ovarian cancer syndrome (HBOC); Hereditary breast and ovarian cancer syndrome; Hereditary breast and/or ovarian cancer syndrome. Identifiers: Orphanet 145, MedGen C0677776, MeSH D061325, MONDO:0003582. Disease mechanism: loss of function.
Breast-ovarian cancer, familial, susceptibility to, 1 (BROVCA1). Also called: BRCA1 Hereditary Breast and Ovarian Cancer; OVARIAN CANCER, SUSCEPTIBILITY TO. Identifiers: Orphanet 145, MedGen C2676676, MONDO:0011450, OMIM 604370. Disease mechanism: loss of function.

Allele frequency attached by ClinVar (database versions not stated): gnomAD exomes 0.00004 and 0.00006; gnomAD 0.00005; ESP Exome Variant Server 0.00023; TOPMed 0.00005; ExAC 0.00006.
gnomAD v4.1: 72 of 1,613,890 alleles (0.0045%); highest among the groups gnomAD compares: Non-Finnish European, 0.00068%; 1 homozygote.

Submissions 1 to 14 of 19:

Labcorp Genetics (formerly Invitae), Labcorp
Classification: Benign for Hereditary breast ovarian cancer syndrome. Last evaluated: 2026-01-31. Review status: criteria provided, single submitter. Criteria: Invitae Variant Classification Sherloc (09022015). Collection method: clinical testing. Allele origin: germline.

Molecular Diagnostics Laboratory, Catalan Institute of Oncology
Classification: Likely benign for Hereditary cancer-predisposing syndrome. Last evaluated: 2025-03-11. Review status: criteria provided, single submitter. Criteria: ClinGen BRCA1BRCA2 ACMG Specifications BRCA1 V1.0.0. Collection method: clinical testing. Allele origin: germline.
Comment: BP1_Strong c.1974G>C,  located in exon  10  (11 according to BIC nomenclature) of the  BRCA1  gene, is predicted to result in the substitution of metionine by isoleucine at codon 658, p.(Met658Ile).This position is outside a (potentially) clinically important functional domain and the SpliceAI algorithm predicts no significant impact on splicing (BP1_Strong). This variant is found in 15/267940, at a frequency of 0.005% (14/9564 in Ashkenazy Jewish) in the gnomAD v2.1.1 database, exome non-cancer data set. To our knowledge, functional studies have not been performed for this variant. This variant has been reported in the ClinVar database (3x uncertain significance, 9x likely benign, 4x benign) and LOVD (1x likely benign, 3x not classified) and in BRCA Exchange database as not yet reviewed. Based on currently available information, the variant c.1974G>C is classified as a likely benign according to ClinGen-BRCA1 and BRCA2 Guidelines version 1.0.0.

Center for Genomic Medicine, Rigshospitalet, Copenhagen University Hospital
Classification: Likely benign. Last evaluated: 2025-03-04. Review status: criteria provided, single submitter. Criteria: ACMG Guidelines, 2015. Collection method: clinical testing. Allele origin: germline.

ARUP Laboratories, Molecular Genetics and Genomics, ARUP Laboratories
Classification: Likely benign. Last evaluated: 2025-01-21. Review status: criteria provided, single submitter. Criteria: ARUP Molecular Germline Variant Investigation Process 2024. Collection method: clinical testing. Allele origin: germline.

Women's Health and Genetics/Laboratory Corporation of America, LabCorp
Classification: Likely benign. Last evaluated: 2024-12-03. Review status: criteria provided, single submitter. Criteria: LabCorp Variant Classification Summary - May 2015. Collection method: clinical testing. Allele origin: germline.
Comment: Variant summary: BRCA1 c.1974G>C (p.Met658Ile) results in a conservative amino acid change in the encoded protein sequence. Five of five in-silico tools predict a benign effect of the variant on protein function. The variant allele was found at a frequency of 6e-05 in 251078 control chromosomes. This frequency is not significantly higher than estimated for a pathogenic variant in BRCA1 causing Hereditary Breast And Ovarian Cancer Syndrome (6e-05 vs 0.001), allowing no conclusion about variant significance. c.1974G>C has been reported in the literature in individuals affected with Hereditary Breast and/or Ovarian Cancer (example, Judkins_2005, Lu_2012, Li_2014). These report(s) do not provide unequivocal conclusions about association of the variant with Hereditary Breast And Ovarian Cancer Syndrome. At-least one co-occurrence with another pathogenic variant has been reported in the BIC database (BRCA1 c.66_67delAG (c.68_69del), p.Glu23fs), providing supporting evidence for a benign role. To our knowledge, no experimental evidence demonstrating an impact on protein function has been reported. Nine clinical diagnostic laboratories have submitted clinical-significance assessments for this variant to ClinVar after 2014 without evidence for independent evaluation. The following publications have been ascertained in the context of this evaluation (PMID: 15235020, 12531920, 16267036, 24675476, 22476429, 15571721, 15385441, 15001988). ClinVar contains an entry for this variant (Variation ID: 54425). Based on the evidence outlined above, the variant was classified as likely benign.

Institute for Biomarker Research, Medical Diagnostic Laboratories, L.L.C.
Classification: Benign for Hereditary breast ovarian cancer syndrome. Last evaluated: 2024-11-20. Review status: criteria provided, single submitter. Criteria: ACMG Guidelines, 2015. Collection method: clinical testing. Allele origin: germline.
Comment: The p.Met658Ile variant is observed in 15/10,072 (0.1489%) alleles from individuals of gnomAD Ashkenazi Jewish background in gnomAD, which is greater than expected for the disorder. There is a small physicochemical difference between methionine and isoleucine, which is not likely to impact secondary protein structure as these residues share similar properties. The gene BRCA1 has a low rate of benign missense variation as indicated by a high missense variants Z-Score of 2.32. The gene BRCA1 contains 248 pathogenic missense variants, indicating that missense variants are a common mechanism of disease in this gene. The p.Met658Ile missense variant is predicted to be tolerated by both SIFT or PolyPhen2. The isoleucine residue at codon 658 of BRCA1 is present in Bushbaby and 6 other mammalian species. The nucleotide c.1974 in BRCA1 is not conserved according to a GERP++ and PhyloP analysis of 100 vertebrates. For these reasons, this variant has been classified as Benign.

Molecular Pathology, Peter Maccallum Cancer Centre
Classification: Likely benign for Breast-ovarian cancer, familial, susceptibility to, 1. Last evaluated: 2024-03-08. Review status: criteria provided, single submitter. Criteria: ACMG Guidelines, 2015. Collection method: clinical testing. Allele origin: germline. Inheritance: Autosomal dominant inheritance.

University of Washington Department of Laboratory Medicine, University of Washington
Classification: Likely benign for Hereditary cancer-predisposing syndrome. Last evaluated: 2023-03-23. Review status: criteria provided, single submitter. Criteria: Dines et al. (Genet Med. 2020). Collection method: curation. Allele origin: germline.
Comment: Missense variant in a coldspot region where missense variants are very unlikely to be pathogenic (PMID:31911673).

BRCA1 coldspot (exon 11 using historical exon numbering). Reclassification based on statistical prior probability

Quest Diagnostics Nichols Institute San Juan Capistrano
Classification: Likely benign. Last evaluated: 2022-08-19. Review status: criteria provided, single submitter. Criteria: Quest Diagnostics criteria. Collection method: clinical testing. Allele origin: unknown.

Sema4
Classification: Likely benign for Hereditary cancer-predisposing syndrome. Last evaluated: 2021-07-15. Review status: criteria provided, single submitter. Criteria: Sema4 Curation Guidelines. Collection method: curation. Allele origin: germline.

CeGaT Center for Human Genetics Tuebingen
Classification: Likely benign. Last evaluated: 2021-03-01. Review status: criteria provided, single submitter. Criteria: CeGaT Center For Human Genetics Tuebingen Variant Classification Criteria Version 2. Collection method: clinical testing. Allele origin: germline. Affected: yes. Observed: 2 variant alleles.

Ambry Genetics
Classification: Likely benign for Hereditary cancer-predisposing syndrome. Last evaluated: 2018-12-11. Review status: criteria provided, single submitter. Criteria: Ambry Variant Classification Scheme 2023. Collection method: clinical testing. Allele origin: germline.

Genetic Services Laboratory, University of Chicago
Classification: Uncertain significance. Last evaluated: 2016-09-28. Review status: criteria provided, single submitter. Criteria: ACMG Guidelines, 2015. Collection method: clinical testing. Allele origin: germline. Affected: no.

Color Diagnostics, LLC DBA Color Health
Classification: Likely benign for Hereditary cancer-predisposing syndrome. Last evaluated: 2015-06-08. Review status: criteria provided, single submitter. Criteria: ACMG Guidelines, 2015. Collection method: clinical testing. Allele origin: germline.

NM_007294.4(BRCA1):c.1974G>C (p.Met658Ile)

Gene: BRCA1 (BRCA1 DNA repair associated; minus strand). Cytogenetic location: 17q21.31.
Variant type: single nucleotide variant.
Coding change: c.1974G>C on transcript NM_007294.4 (MANE Select); coding-DNA position 1974, G replaced by C.
Protein change: p.Met658Ile; replaces methionine 658 with isoleucine.
Molecular consequence: missense variant. On other transcripts: intron variant (137).
Genome position (GRCh38, 1-based): chr17:43,093,557, C>G on the plus strand (G>C on the coding strand, the complement: BRCA1 is on the minus strand). VCF-style: chr17-43093557-C-G. GRCh37 (hg19) VCF-style: chr17-41245574-C-G.
Other names: p.M658I:ATG>ATC; c.1761G>C, p.Met587Ile (NM_001407899.1, NM_001407571.1, NM_001407853.1 and 9 more transcripts); c.1764G>C, p.Met588Ile (NM_001407900.1, NM_001407902.1, NM_001407889.1 and 13 more transcripts); c.1851G>C, p.Met617Ile (NM_001407919.1, NM_001407938.1, NM_001407939.1 and 19 more transcripts); c.1710G>C, p.Met570Ile (NM_001407920.1, NM_001407921.1, NM_001407922.1 and 9 more transcripts); c.1848G>C, p.Met616Ile (NM_001407940.1, NM_001407941.1, NM_001407649.1 and 11 more transcripts); c.1833G>C, p.Met611Ile (NM_001407942.1, NM_001407944.1, NM_001407945.1 and 29 more transcripts); c.1830G>C, p.Met610Ile (NM_001407943.1, NM_001407964.1, NM_001407746.1 and 20 more transcripts); and 41 more; short protein forms M658I, M611I, M490I, M616I, M631I, M632I, M655I, M657I.
Identifiers: ClinVar variation 54425 (VCV000054425.82), dbSNP rs55678461, ClinGen allele CA001318.